The following is an entry in ClinVar:

NM_001378454.1(ALMS1):c.2981C>G (p.Pro994Arg)

Gene: ALMS1 (ALMS1 centrosome and basal body associated protein; plus strand). Cytogenetic location: 2p13.1.
Variant type: single nucleotide variant.
Coding change: c.2981C>G on transcript NM_001378454.1 (MANE Select); coding-DNA position 2981, C replaced by G.
Protein change: p.Pro994Arg; replaces proline 994 with arginine.
Molecular consequence: missense variant.
Genome position (GRCh38, 1-based): chr2:73,449,508, C>G. VCF-style: chr2-73449508-C-G. GRCh37 (hg19) VCF-style: chr2-73676635-C-G.
Other names: c.2984C>G, p.Pro995Arg (NM_015120.4); short protein forms P994R, P995R.
Identifiers: ClinVar variation 2108684 (VCV002108684.4), dbSNP rs2466096483, ClinGen allele CA347273318.

ClinVar aggregate classification (germline): Uncertain significance (1 of 4 stars; one submission).

Conditions:
Alstrom syndrome (ALMS). Identifiers: Orphanet 64, MedGen C0268425, MONDO:0008763, OMIM 203800.

Submission:

Labcorp Genetics (formerly Invitae), Labcorp
Classification: Uncertain significance for Alstrom syndrome. Last evaluated: 2024-12-09. Review status: criteria provided, single submitter. Criteria: Invitae Variant Classification Sherloc (09022015). Collection method: clinical testing. Allele origin: germline.
Comment: This sequence change replaces proline, which is neutral and non-polar, with arginine, which is basic and polar, at codon 995 of the ALMS1 protein (p.Pro995Arg). This variant is not present in population databases (gnomAD no frequency). This variant has not been reported in the literature in individuals affected with ALMS1-related conditions. ClinVar contains an entry for this variant (Variation ID: 2108684). Experimental studies and prediction algorithms are not available or were not evaluated, and the functional significance of this variant is currently unknown. In summary, the available evidence is currently insufficient to determine the role of this variant in disease. Therefore, it has been classified as a Variant of Uncertain Significance.